The following is an entry in ClinVar:

NM_001308093.3(GATA4):c.1328C>A (p.Ala443Glu)

Gene: GATA4 (GATA binding protein 4). Cytogenetic location: 8p23.1.
Variant type: single nucleotide variant.
Coding change: c.1328C>A on transcript NM_001308093.3 (MANE Select); coding-DNA position 1328, C replaced by A.
Protein change: p.Ala443Glu; replaces alanine 443 with glutamic acid.
Molecular consequence: missense variant.
Genome position (GRCh38, 1-based): chr8:11,758,471, C>A. VCF-style: chr8-11758471-C-A. GRCh37 (hg19) VCF-style: chr8-11615980-C-A.
Other names: c.707C>A, p.Ala236Glu (NM_001308094.2, NM_001374273.1); c.581C>A, p.Ala194Glu (NM_001374274.1); c.1325C>A, p.Ala442Glu (NM_002052.5); short protein forms A194E, A442E, A236E, A443E.
Identifiers: ClinVar variation 4709977 (VCV004709977.1).
Genomic context (GRCh38, chr8:11,758,471, plus strand): 5'-CCAAGCAGGACTCTTGGAACAGCCTGGTCTTGGCCGACAGTCACGGGGACATAATCACTG[C>A]GTAATCTTCCCTCTTCCCTCCTCAAATTCCTGCACGGACCTGGGACTTGGAGGATAGCAA-3'
Protein context (NP_001295022.1, residues 433-443): LADSHGDIIT[Ala443Glu]

ClinVar aggregate classification (germline): Uncertain significance (1 of 4 stars; one submission).

Conditions:
Atrioventricular septal defect 4 (AVSD4). Identifiers: MedGen C3280781, MONDO:0013747, OMIM 614430.

Submission:

Labcorp Genetics (formerly Invitae), Labcorp
Classification: Uncertain significance for Atrioventricular septal defect 4. Last evaluated: 2025-10-28. Review status: criteria provided, single submitter. Criteria: Invitae Variant Classification Sherloc (09022015). Collection method: clinical testing. Allele origin: germline.
Comment: This sequence change replaces alanine, which is neutral and non-polar, with glutamic acid, which is acidic and polar, at codon 442 of the GATA4 protein (p.Ala442Glu). This variant is not present in population databases (gnomAD no frequency). This variant has not been reported in the literature in individuals affected with GATA4-related conditions. Invitae Evidence Modeling of protein sequence and biophysical properties (such as structural, functional, and spatial information, amino acid conservation, physicochemical variation, residue mobility, and thermodynamic stability) has been performed for this missense variant. However, the output from this modeling did not meet the statistical confidence thresholds required to predict the impact of this variant on GATA4 protein function. In summary, the available evidence is currently insufficient to determine the role of this variant in disease. Therefore, it has been classified as a Variant of Uncertain Significance.